The following is an entry in ClinVar:

NM_020922.5(WNK3):c.3916C>T (p.Pro1306Ser)

Gene: WNK3 (WNK lysine deficient protein kinase 3; minus strand). Cytogenetic location: Xp11.22.
Variant type: single nucleotide variant.
Coding change: c.3916C>T on transcript NM_020922.5 (MANE Select); coding-DNA position 3916, C replaced by T.
Protein change: p.Pro1306Ser; replaces proline 1306 with serine.
Molecular consequence: missense variant.
Genome position (GRCh38, 1-based): chrX:54,238,440, G>A on the plus strand (C>T on the coding strand, the complement: WNK3 is on the minus strand). VCF-style: chrX-54238440-G-A. GRCh37 (hg19) VCF-style: chrX-54264873-G-A.
Other names: c.3775C>T, p.Pro1259Ser (NM_001002838.4, NM_001395166.1); short protein forms P1259S, P1306S.
Identifiers: ClinVar variation 3371477 (VCV003371477.1).

ClinVar aggregate classification (germline): Uncertain significance (1 of 4 stars; one submission).

Submission:

GeneDx
Classification: Uncertain significance. Last evaluated: 2024-03-26. Review status: criteria provided, single submitter. Criteria: GeneDx Variant Classification Process June 2021. Collection method: clinical testing. Allele origin: germline. Affected: yes.
Comment: Not observed at significant frequency in large population cohorts (gnomAD); In silico analysis supports that this missense variant does not alter protein structure/function; Has not been previously published as pathogenic or benign to our knowledge